The following is an entry in ClinVar:

NM_025257.3(SLC44A4):c.1960G>A (p.Gly654Ser)

Gene: SLC44A4 (solute carrier family 44 member 4; minus strand). Cytogenetic location: 6p21.33.
Variant type: single nucleotide variant.
Coding change: c.1960G>A on transcript NM_025257.3 (MANE Select); coding-DNA position 1960, G replaced by A.
Protein change: p.Gly654Ser; replaces glycine 654 with serine.
Molecular consequence: missense variant.
Genome position (GRCh38, 1-based): chr6:31,864,703, C>T on the plus strand (G>A on the coding strand, the complement: SLC44A4 is on the minus strand). VCF-style: chr6-31864703-C-T. GRCh37 (hg19) VCF-style: chr6-31832480-C-T.
Other names: c.1834G>A, p.Gly612Ser (NM_001178044.2); c.1732G>A, p.Gly578Ser (NM_001178045.2); c.1960G>A, p.Gly654Ser (NM_032794.1); short protein forms G578S, G612S, G654S.
Identifiers: ClinVar variation 2190266 (VCV002190266.4), dbSNP rs773968083, ClinGen allele CA3725200.
Genomic context (GRCh38, chr6:31,864,703, plus strand): 5'-GTCACTCACGGAAGCAGAGGAAGAGCGTGTCCACACACATGCCGAAAACGCTGAAGAAGC[C>T]GCTGGCGATGACATAGGCCCCCAGGATGGAGGTCTGGAAGACATGACCCGTTGGGGTTAT-3'
Protein context (NP_079533.2, residues 644-664): SILGAYVIAS[Gly654Ser]FFSVFGMCVD

ClinVar aggregate classification (germline): Uncertain significance (1 of 4 stars; one submission).

Allele frequency attached by ClinVar (database versions not stated): gnomAD 0.00001; ExAC 0.00002; gnomAD exomes 0.00002; TOPMed 0.00005.
gnomAD v4.1: 32 of 1,613,822 alleles (0.002%); highest among the groups gnomAD compares: Admixed American, 0.012%; no homozygotes.

Submission:

Labcorp Genetics (formerly Invitae), Labcorp
Classification: Uncertain significance. Last evaluated: 2025-03-22. Review status: criteria provided, single submitter. Criteria: Invitae Variant Classification Sherloc (09022015). Collection method: clinical testing. Allele origin: germline.
Comment: This sequence change replaces glycine, which is neutral and non-polar, with serine, which is neutral and polar, at codon 654 of the SLC44A4 protein (p.Gly654Ser). This variant is present in population databases (rs773968083, gnomAD 0.01%). This variant has not been reported in the literature in individuals affected with SLC44A4-related conditions. ClinVar contains an entry for this variant (Variation ID: 2190266). Invitae Evidence Modeling of protein sequence and biophysical properties (such as structural, functional, and spatial information, amino acid conservation, physicochemical variation, residue mobility, and thermodynamic stability) indicates that this missense variant is not expected to disrupt SLC44A4 protein function with a negative predictive value of 80%. In summary, the available evidence is currently insufficient to determine the role of this variant in disease. Therefore, it has been classified as a Variant of Uncertain Significance.